The following is an entry in ClinVar:

ClinVar aggregate classification (germline): Conflicting classifications of pathogenicity. Review status: criteria provided, conflicting classifications (1 of 4 stars). 2 submissions from 2 submitters: Uncertain significance (1); Likely benign (1). Last evaluated 2025-12-15.

Conditions:
Autosomal recessive nonsyndromic hearing loss 66 (DFNB66). Also called: Deafness, autosomal recessive 66. Identifiers: Orphanet 90636, MedGen C1857750, MONDO:0012442, OMIM 610212.
Isolated neonatal sclerosing cholangitis (NSC). Also called: Sclerosing cholangitis, neonatal. Identifiers: Orphanet 480556, MedGen C4479344, MONDO:0018816, OMIM 617394.

Allele frequency attached by ClinVar (database versions not stated): TOPMed 0.00002; ExAC 0.00002; gnomAD exomes 0.00008 and 0.00002; gnomAD 0.00001.
gnomAD v4.1: 110 of 1,587,164 alleles (0.0069%); highest among the groups gnomAD compares: South Asian, 0.009%; no homozygotes.

Submissions (2):

Labcorp Genetics (formerly Invitae), Labcorp
Classification: Likely benign for Autosomal recessive nonsyndromic hearing loss 66; Isolated neonatal sclerosing cholangitis. Last evaluated: 2025-12-15. Review status: criteria provided, single submitter. Criteria: Invitae Variant Classification Sherloc (09022015). Collection method: clinical testing. Allele origin: germline.

GeneDx
Classification: Uncertain significance. Last evaluated: 2020-01-02. Review status: criteria provided, single submitter. Criteria: GeneDx Variant Classification Process June 2021. Collection method: clinical testing. Allele origin: germline. Affected: yes.
Comment: Not observed at a significant frequency in large population cohorts (Lek et al., 2016); Has not been previously published as pathogenic or benign to our knowledge

NM_016356.5(DCDC2):c.1327-11T>C

Gene: DCDC2 (doublecortin domain containing 2; minus strand). Cytogenetic location: 6p22.3.
Variant type: single nucleotide variant.
Coding change: c.1327-11T>C on transcript NM_016356.5 (MANE Select); 11 bases into the intron before coding-DNA position 1327, T replaced by C.
Molecular consequence: intron variant.
Genome position (GRCh38, 1-based): chr6:24,174,845, A>G on the plus strand (T>C on the coding strand, the complement: DCDC2 is on the minus strand). VCF-style: chr6-24174845-A-G. GRCh37 (hg19) VCF-style: chr6-24175073-A-G.
Other names: c.1327-11T>C (NM_001195610.2).
Identifiers: ClinVar variation 1311558 (VCV001311558.3), dbSNP rs751249656, ClinGen allele CA3654446.